The following is an entry in ClinVar:

ClinVar aggregate classification (germline): Uncertain significance (1 of 4 stars; one submission).

Conditions:
Hereditary cancer-predisposing syndrome. Also called: Neoplastic Syndromes, Hereditary; Tumor predisposition; Hereditary Cancer Syndrome; Hereditary neoplastic syndrome. Identifiers: Orphanet 140162, MedGen C0027672, MeSH D009386, MONDO:0015356.

Submission:

Color Diagnostics, LLC DBA Color Health
Classification: Uncertain significance for Hereditary cancer-predisposing syndrome. Last evaluated: 2025-06-10. Review status: criteria provided, single submitter. Criteria: ACMG Guidelines, 2015. Collection method: clinical testing. Allele origin: germline.
Comment: This missense variant replaces methionine with lysine at codon 1628 of the BRCA1 protein. Computational prediction is inconclusive regarding the impact of this variant on protein structure and function. To our knowledge, functional studies have not been reported for this variant. This variant has not been reported in individuals affected with BRCA1-related disorders in the literature. This variant has not been identified in the general population by the Genome Aggregation Database (gnomAD). The available evidence is insufficient to determine the role of this variant in disease conclusively. Therefore, this variant is classified as a Variant of Uncertain Significance.

NM_007294.4(BRCA1):c.4883T>A (p.Met1628Lys)

Gene: BRCA1 (BRCA1 DNA repair associated; minus strand). Cytogenetic location: 17q21.31.
Variant type: single nucleotide variant.
Coding change: c.4883T>A on transcript NM_007294.4 (MANE Select); coding-DNA position 4883, T replaced by A.
Protein change: p.Met1628Lys; replaces methionine 1628 with lysine.
Molecular consequence: missense variant. On other transcripts: non-coding transcript variant (1).
Genome position (GRCh38, 1-based): chr17:43,071,031, A>T on the plus strand (T>A on the coding strand, the complement: BRCA1 is on the minus strand). VCF-style: chr17-43071031-A-T. GRCh37 (hg19) VCF-style: chr17-41223048-A-T.
Other names: c.4670T>A, p.Met1557Lys (NM_001407907.1, NM_001407571.1, NM_001407894.1 and 12 more transcripts); c.1562T>A, p.Met521Lys (NM_001408409.1); c.1499T>A, p.Met500Lys (NM_001408410.1); c.1496T>A, p.Met499Lys (NM_001408411.1); c.1493T>A, p.Met498Lys (NM_001408412.1, NM_001408413.1, NM_001408414.1 and 2 more transcripts); c.1457T>A, p.Met486Lys (NM_001408418.1, NM_001408419.1, NM_001408420.1); c.1454T>A, p.Met485Lys (NM_001408421.1, NM_001408422.1, NM_001408423.1 and 1 more transcripts); c.1451T>A, p.Met484Lys (NM_001408425.1, NM_001408426.1, NM_001408427.1 and 4 more transcripts); and 70 more; short protein forms M1581K, M1628K, M1649K, M524K, M1459K, M1517K, M1538K, M1561K.
Identifiers: ClinVar variation 926247 (VCV000926247.4), dbSNP rs4986854, ClinGen allele CA10591763.